The following is an entry in ClinVar:

ClinVar aggregate classification (germline): Uncertain significance. Review status: criteria provided, multiple submitters, no conflicts (2 of 4 stars). 3 submissions from 3 submitters: Uncertain significance (3). Last evaluated 2024-10-08.

Conditions:
Glycosylphosphatidylinositol biosynthesis defect 16. Also called: MENTAL RETARDATION, AUTOSOMAL RECESSIVE 62. Identifiers: MedGen C4540521, MONDO:0040500, OMIM 617816.

Allele frequency attached by ClinVar (database versions not stated): gnomAD exomes 0.00001; ExAC 0.00002; TOPMed 0.00002.
gnomAD v4.1: 20 of 1,614,204 alleles (0.0012%); highest among the groups gnomAD compares: Non-Finnish European, 0.0016%; no homozygotes.

Submissions (3):

Labcorp Genetics (formerly Invitae), Labcorp
Classification: Uncertain significance. Last evaluated: 2024-10-08. Review status: criteria provided, single submitter. Criteria: Invitae Variant Classification Sherloc (09022015). Collection method: clinical testing. Allele origin: germline.
Comment: This sequence change replaces arginine, which is basic and polar, with cysteine, which is neutral and slightly polar, at codon 192 of the PIGC protein (p.Arg192Cys). This variant is present in population databases (rs768479943, gnomAD 0.0009%). This variant has not been reported in the literature in individuals affected with PIGC-related conditions. ClinVar contains an entry for this variant (Variation ID: 1402737). Invitae Evidence Modeling of protein sequence and biophysical properties (such as structural, functional, and spatial information, amino acid conservation, physicochemical variation, residue mobility, and thermodynamic stability) indicates that this missense variant is expected to disrupt PIGC protein function with a positive predictive value of 80%. In summary, the available evidence is currently insufficient to determine the role of this variant in disease. Therefore, it has been classified as a Variant of Uncertain Significance.

Ambry Genetics
Classification: Uncertain significance. Last evaluated: 2024-10-06. Review status: criteria provided, single submitter. Criteria: Ambry Variant Classification Scheme 2023. Collection method: clinical testing. Allele origin: germline.

Revvity Omics, Revvity
Classification: Uncertain significance for Glycosylphosphatidylinositol biosynthesis defect 16. Last evaluated: 2023-01-03. Review status: criteria provided, single submitter. Criteria: ACMG Guidelines, 2015. Collection method: clinical testing. Allele origin: germline.

NM_153747.2(PIGC):c.574C>T (p.Arg192Cys)

Genes: C1orf105 (chromosome 1 open reading frame 105; plus strand), PIGC (phosphatidylinositol glycan anchor biosynthesis class C; minus strand). Cytogenetic location: 1q24.3.
Variant type: single nucleotide variant.
Coding change: c.574C>T on transcript NM_153747.2 (MANE Select); coding-DNA position 574, C replaced by T.
Protein change: p.Arg192Cys; replaces arginine 192 with cysteine.
Molecular consequence: missense variant. On other transcripts: intron variant (1).
Genome position (GRCh38, 1-based): chr1:172,442,049, G>A on the plus strand (C>T on the coding strand, the complement: PIGC is on the minus strand). VCF-style: chr1-172442049-G-A. GRCh37 (hg19) VCF-style: chr1-172411189-G-A.
Other names: c.574C>T, p.Arg192Cys (NM_002642.4); c.22-3024G>A (NM_139240.4); c.574C>T (NM_002642.3); short protein forms R192C.
Identifiers: ClinVar variation 1402737 (VCV001402737.9), dbSNP rs768479943, ClinGen allele CA1245951.